The following is an entry in ClinVar:

NM_005529.7(HSPG2):c.12886G>C (p.Val4296Leu)

Genes: LDLRAD2 (low density lipoprotein receptor class A domain containing 2; plus strand), HSPG2 (heparan sulfate proteoglycan 2; minus strand). Cytogenetic location: 1p36.12.
Variant type: single nucleotide variant.
Coding change: c.12886G>C on transcript NM_005529.7 (MANE Select); coding-DNA position 12886, G replaced by C.
Protein change: p.Val4296Leu; replaces valine 4296 with leucine.
Molecular consequence: missense variant. On other transcripts: 3 prime UTR variant (1).
Genome position (GRCh38, 1-based): chr1:21,824,134, C>G on the plus strand (G>C on the coding strand, the complement: HSPG2 is on the minus strand). VCF-style: chr1-21824134-C-G. GRCh37 (hg19) VCF-style: chr1-22150627-C-G.
Other names: c.12889G>C, p.Val4297Leu (NM_001291860.2); c.*1919C>G (NM_001013693.3); short protein forms V4296L, V4297L.
Identifiers: ClinVar variation 295702 (VCV000295702.13), dbSNP rs144217842, ClinGen allele CA669248.

ClinVar aggregate classification (germline): Uncertain significance. Review status: criteria provided, multiple submitters, no conflicts (2 of 4 stars). 5 submissions from 4 submitters: Uncertain significance (5). Last evaluated 2024-09-11.

Conditions:
Schwartz-Jampel syndrome. Also called: Myotonic myopathy dwarfism chondrodystrophy and ocular and facial abnormalities. Identifiers: Orphanet 800, MedGen C0036391, MONDO:0009717.
Lethal Kniest-like syndrome (DDSH). Also called: Dyssegmental Dysplasia. Identifiers: Orphanet 1865, MedGen C1857100, MONDO:0009140, OMIM 224410.

Allele frequency attached by ClinVar (database versions not stated): ESP Exome Variant Server 0.00015; gnomAD 0.00025 and 0.00026; TOPMed 0.00025; 1000 Genomes Project 30x 0.00031; 1000 Genomes Project 0.00040.
gnomAD v4.1: 587 of 1,613,320 alleles (0.036%); highest among the groups gnomAD compares: Non-Finnish European, 0.047%; no homozygotes.

Submissions (5):

Blueprint Genetics
Classification: Uncertain significance. Last evaluated: 2024-09-11. Review status: criteria provided, single submitter. Criteria: ACMG Guidelines, 2015. Collection method: clinical testing. Allele origin: germline.

Revvity Omics, Revvity
Classification: Uncertain significance. Last evaluated: 2023-12-13. Review status: criteria provided, single submitter. Criteria: ACMG Guidelines, 2015. Collection method: clinical testing. Allele origin: germline.

Labcorp Genetics (formerly Invitae), Labcorp
Classification: Uncertain significance. Last evaluated: 2022-06-15. Review status: criteria provided, single submitter. Criteria: Invitae Variant Classification Sherloc (09022015). Collection method: clinical testing. Allele origin: germline.
Comment: This sequence change replaces valine, which is neutral and non-polar, with leucine, which is neutral and non-polar, at codon 4296 of the HSPG2 protein (p.Val4296Leu). This variant is present in population databases (rs144217842, gnomAD 0.03%). This variant has not been reported in the literature in individuals affected with HSPG2-related conditions. ClinVar contains an entry for this variant (Variation ID: 295702). Algorithms developed to predict the effect of missense changes on protein structure and function (SIFT, PolyPhen-2, Align-GVGD) all suggest that this variant is likely to be tolerated. In summary, the available evidence is currently insufficient to determine the role of this variant in disease. Therefore, it has been classified as a Variant of Uncertain Significance.

Illumina Laboratory Services, Illumina
Classification: Uncertain significance for Schwartz-Jampel syndrome type 1. Last evaluated: 2018-01-13. Review status: criteria provided, single submitter. Criteria: ICSL Variant Classification Criteria 13 December 2019. Collection method: clinical testing. Allele origin: germline.

Illumina Laboratory Services, Illumina
Classification: Uncertain significance for Lethal Kniest-like syndrome. Last evaluated: 2018-01-13. Review status: criteria provided, single submitter. Criteria: ICSL Variant Classification Criteria 13 December 2019. Collection method: clinical testing. Allele origin: germline.